The following is an entry in ClinVar:

ClinVar aggregate classification (germline): Pathogenic (1 of 4 stars; one submission).

Conditions:
Familial adenomatous polyposis 1 (FAP1). Also called: FAMILIAL ADENOMATOUS POLYPOSIS 1, ATTENUATED; POLYPOSIS, ADENOMATOUS INTESTINAL. Identifiers: MedGen C2713442, MONDO:0021056, OMIM 175100. Disease mechanism: loss of function.

Submission:

Labcorp Genetics (formerly Invitae), Labcorp
Classification: Pathogenic for Familial adenomatous polyposis 1. Last evaluated: 2025-05-25. Review status: criteria provided, single submitter. Criteria: Invitae Variant Classification Sherloc (09022015). Collection method: clinical testing. Allele origin: germline.
Comment: This sequence change creates a premature translational stop signal (p.Pro354Leufs*100) in the APC gene. It is expected to result in an absent or disrupted protein product. Loss-of-function variants in APC are known to be pathogenic (PMID: 17963004, 20685668). This variant is not present in population databases (gnomAD no frequency). This variant has not been reported in the literature in individuals affected with APC-related conditions. For these reasons, this variant has been classified as Pathogenic.

Literature cited by the submitters: PubMed 17963004; PubMed 20685668.

NM_000038.6(APC):c.1061del (p.Pro354fs)

Gene: APC (APC regulator of Wnt signaling pathway; plus strand). Cytogenetic location: 5q22.2.
Variant type: Deletion.
Coding change: c.1061del on transcript NM_000038.6 (MANE Select); coding-DNA position 1061, one base deleted (C; older notation c.1061delC).
Protein change: p.Pro354fs; shifts the reading frame from proline 354.
Molecular consequence: frameshift variant. On other transcripts: non-coding transcript variant (2), intron variant (15).
Genome position (GRCh38, 1-based): chr5:112,819,093, C deleted; the last of 2 consecutive C bases (chr5:112,819,092-112,819,093); deleting either gives the same sequence. VCF-style (leftmost placement, unchanged base first): chr5-112819091-TC-T. GRCh37 (hg19) VCF-style: chr5-112154788-TC-T.
Other names: c.1061del, p.Pro354fs (NM_001127510.3, NM_001354895.2, NM_001354896.2 and 4 more transcripts); c.1007del, p.Pro336fs (NM_001127511.3); c.1091del, p.Pro364fs (NM_001354897.2, NM_001407446.1); c.986del, p.Pro329fs (NM_001354898.2, NM_001407451.1); c.977del, p.Pro326fs (NM_001354899.2, NM_001407452.1); c.884del, p.Pro295fs (NM_001354900.2, NM_001354901.2, NM_001407453.1); c.212del, p.Pro71fs (NM_001354906.2, NM_001407470.1); c.85-176del (NM_001407472.1, NM_001407471.1); and 5 more; short protein forms P329fs, P295fs, P364fs, P326fs, P354fs, P336fs, P71fs.
Identifiers: ClinVar variation 4720160 (VCV004720160.1).